The following is an entry in ClinVar:

ClinVar aggregate classification (germline): Likely pathogenic (1 of 4 stars; one submission).

Conditions:
Autosomal recessive polycystic kidney disease (ARPKD). Also called: AR polycystic kidney disease. Identifiers: Orphanet 731, Orphanet 8378, MedGen C0085548, MeSH D017044, MONDO:0009889.

Submission:

Labcorp Genetics (formerly Invitae), Labcorp
Classification: Likely pathogenic for Autosomal recessive polycystic kidney disease. Last evaluated: 2021-08-04. Review status: criteria provided, single submitter. Criteria: Invitae Variant Classification Sherloc (09022015). Collection method: clinical testing. Allele origin: germline.
Comment: This variant is a gross deletion of the genomic region encompassing exon(s) 61-67 of the PKHD1 gene. The 5' boundary is likely confined to intron 60. The 3' end of this event is unknown as it extends through the termination codon beyond the assayed region for this gene and may encompass additional genes. While this deletion is not anticipated to lead to nonsense mediated decay, it is expected to alter mRNA translation or result in a truncated protein product. A similar copy number variant has been observed in individual(s) with autosomal recessive polycystic kidney disease (PMID: 20575693). In at least one individual the data is consistent with the variant being in trans (on the opposite chromosome) from a pathogenic variant. In summary, the currently available evidence indicates that the variant is pathogenic, but additional data are needed to prove that conclusively. Therefore, this variant has been classified as Likely Pathogenic.

Literature cited by the submitters: PubMed 20575693.

NC_000006.11:g.(?_51483869)_(51524777_?)del

Gene: PKHD1 (PKHD1 ciliary IPT domain containing fibrocystin/polyductin; minus strand). Cytogenetic location: 6p12.3.
Variant type: Deletion.
Identifiers: ClinVar variation 1067569 (VCV001067569.7).